The following is an entry in ClinVar:

ClinVar aggregate classification (germline): Uncertain significance (1 of 4 stars; one submission).

Submission:

Labcorp Genetics (formerly Invitae), Labcorp
Classification: Uncertain significance. Last evaluated: 2025-08-11. Review status: criteria provided, single submitter. Criteria: Invitae Variant Classification Sherloc (09022015). Collection method: clinical testing. Allele origin: germline.
Comment: This sequence change replaces glycine, which is neutral and non-polar, with serine, which is neutral and polar, at codon 306 of the NDUFV1 protein (p.Gly306Ser). This variant is not present in population databases (gnomAD no frequency). This variant has not been reported in the literature in individuals affected with NDUFV1-related conditions. ClinVar contains an entry for this variant (Variation ID: 1903045). Invitae Evidence Modeling of protein sequence and biophysical properties (such as structural, functional, and spatial information, amino acid conservation, physicochemical variation, residue mobility, and thermodynamic stability) indicates that this missense variant is expected to disrupt NDUFV1 protein function with a positive predictive value of 95%. In summary, the available evidence is currently insufficient to determine the role of this variant in disease. Therefore, it has been classified as a Variant of Uncertain Significance.

NM_007103.4(NDUFV1):c.916G>A (p.Gly306Ser)

Gene: NDUFV1 (NADH:ubiquinone oxidoreductase core subunit V1; plus strand). Cytogenetic location: 11q13.2.
Variant type: single nucleotide variant.
Coding change: c.916G>A on transcript NM_007103.4 (MANE Select); coding-DNA position 916, G replaced by A.
Protein change: p.Gly306Ser; replaces glycine 306 with serine.
Molecular consequence: missense variant.
Genome position (GRCh38, 1-based): chr11:67,611,405, G>A. VCF-style: chr11-67611405-G-A. GRCh37 (hg19) VCF-style: chr11-67378876-G-A.
Other names: c.889G>A, p.Gly297Ser (NM_001166102.2); short protein forms G297S, G306S.
Identifiers: ClinVar variation 1903045 (VCV001903045.5), dbSNP rs201382784, ClinGen allele CA381540419.